The following is an entry in ClinVar:

NM_001035.3(RYR2):c.12289A>G (p.Asn4097Asp)

Gene: RYR2 (ryanodine receptor 2; plus strand). Cytogenetic location: 1q43.
Variant type: single nucleotide variant.
Coding change: c.12289A>G on transcript NM_001035.3 (MANE Select); coding-DNA position 12289, A replaced by G.
Protein change: p.Asn4097Asp; replaces asparagine 4097 with aspartic acid.
Molecular consequence: missense variant.
Genome position (GRCh38, 1-based): chr1:237,784,001, A>G. VCF-style: chr1-237784001-A-G. GRCh37 (hg19) VCF-style: chr1-237947301-A-G.
Other names: short protein forms N4097D.
Identifiers: ClinVar variation 837294 (VCV000837294.2), dbSNP rs1695343403, ClinGen allele CA345412896.
Genomic context (GRCh38, chr1:237,784,001, plus strand): 5'-ACCCTCGACTACGAAGAGTTCGTCAAACGCTTCCACGAACCTGCGAAGGACATCGGCTTC[A>G]ACGTCGCCGTCCTTCTGACAAACCTCTCTGAGCACATGCCCAACGATACCCGACTTCAGA-3'
Protein context (NP_001026.2, residues 4087-4107): FHEPAKDIGF[Asn4097Asp]VAVLLTNLSE

ClinVar aggregate classification (germline): Uncertain significance (1 of 4 stars; one submission).

Conditions:
Catecholaminergic polymorphic ventricular tachycardia (CVPT). Also called: Catecholamine-induced polymorphic ventricular tachycardia. Identifiers: Orphanet 3286, MedGen C5574922, MONDO:0017990.

Submission:

Labcorp Genetics (formerly Invitae), Labcorp
Classification: Uncertain significance for Catecholaminergic polymorphic ventricular tachycardia. Last evaluated: 2019-02-15. Review status: criteria provided, single submitter. Criteria: Invitae Variant Classification Sherloc (09022015). Collection method: clinical testing. Allele origin: germline.
Comment: This sequence change replaces asparagine with aspartic acid at codon 4097 of the RYR2 protein (p.Asn4097Asp). The asparagine residue is highly conserved and there is a small physicochemical difference between asparagine and aspartic acid. This variant is not present in population databases (ExAC no frequency). This variant has not been reported in the literature in individuals with RYR2-related conditions. Algorithms developed to predict the effect of missense changes on protein structure and function are either unavailable or do not agree on the potential impact of this missense change (SIFT: "Deleterious"; PolyPhen-2: "Possibly Damaging"; Align-GVGD: "Class C15"). In summary, the available evidence is currently insufficient to determine the role of this variant in disease. Therefore, it has been classified as a Variant of Uncertain Significance.